The following is an entry in ClinVar:

NM_012318.3(LETM1):c.426C>T (p.Ser142=)

Gene: LETM1 (leucine zipper and EF-hand containing transmembrane protein 1; minus strand). Cytogenetic location: 4p16.3.
Variant type: single nucleotide variant.
Coding change: c.426C>T on transcript NM_012318.3 (MANE Select); coding-DNA position 426, C replaced by T.
Protein change: p.Ser142=; no amino-acid change (serine 142 retained).
Molecular consequence: synonymous variant.
Genome position (GRCh38, 1-based): chr4:1,841,515, G>A on the plus strand (C>T on the coding strand, the complement: LETM1 is on the minus strand). VCF-style: chr4-1841515-G-A. GRCh37 (hg19) VCF-style: chr4-1843242-G-A.
Identifiers: ClinVar variation 2168856 (VCV002168856.28), dbSNP rs770575187, ClinGen allele CA2811634.
Genomic context (GRCh38, chr4:1,841,515, plus strand): 5'-CTTCAGCTCGTCCAGCACCCGCTGCCCCAGGGACTTCTTCACCACCACCTCTGCGGGGGG[G>A]CTGTACACCGGGCCGCCTTCCTCCAGCTTCTTGTTCTTGTCCTTCAAGGACTTGAGGGAC-3'
Protein context (NP_036450.1, residues 132-152): KKLEEGGPVY[Ser142=]PPAEVVVKKS

ClinVar aggregate classification (germline): Likely benign. Review status: criteria provided, multiple submitters, no conflicts (2 of 4 stars). 2 submissions from 2 submitters: Likely benign (2). Last evaluated 2025-10-08.

Allele frequency attached by ClinVar (database versions not stated): gnomAD 0.00003; TOPMed 0.00003; gnomAD exomes 0.00005; ExAC 0.00011.
gnomAD v4.1: 87 of 1,614,114 alleles (0.0054%); highest among the groups gnomAD compares: Middle Eastern, 0.066%; no homozygotes.

Submissions (2):

Labcorp Genetics (formerly Invitae), Labcorp
Classification: Likely benign. Last evaluated: 2025-10-08. Review status: criteria provided, single submitter. Criteria: Invitae Variant Classification Sherloc (09022015). Collection method: clinical testing. Allele origin: germline.

CeGaT Center for Human Genetics Tuebingen
Classification: Likely benign. Last evaluated: 2023-03-01. Review status: criteria provided, single submitter. Criteria: CeGaT Center For Human Genetics Tuebingen Variant Classification Criteria Version 2. Collection method: clinical testing. Allele origin: germline. Affected: yes. Observed: 1 variant allele.
Comment: LETM1: BP4, BP7